The following is an entry in ClinVar:

ClinVar aggregate classification (germline): Uncertain significance (1 of 4 stars; one submission).

Conditions:
46,XY sex reversal 9 (SRXY9). Also called: 46,XY SEX REVERSAL, ZFPM2-RELATED. Identifiers: Orphanet 251510, MedGen C4015129, MONDO:0014480, OMIM 616067.

gnomAD v4.1: 1 of 1,613,968 alleles (0.000062%); highest among the groups gnomAD compares: Non-Finnish European, 0.000085%; no homozygotes.

Submission:

Labcorp Genetics (formerly Invitae), Labcorp
Classification: Uncertain significance for 46,XY sex reversal 9. Last evaluated: 2025-03-22. Review status: criteria provided, single submitter. Criteria: Invitae Variant Classification Sherloc (09022015). Collection method: clinical testing. Allele origin: germline.
Comment: This sequence change replaces glutamic acid, which is acidic and polar, with alanine, which is neutral and non-polar, at codon 1011 of the ZFPM2 protein (p.Glu1011Ala). This variant is not present in population databases (gnomAD no frequency). This variant has not been reported in the literature in individuals affected with ZFPM2-related conditions. An algorithm developed to predict the effect of missense changes on protein structure and function (PolyPhen-2) suggests that this variant is likely to be tolerated. In summary, the available evidence is currently insufficient to determine the role of this variant in disease. Therefore, it has been classified as a Variant of Uncertain Significance.

NM_012082.4(ZFPM2):c.3032A>C (p.Glu1011Ala)

Genes: ZFPM2 (zinc finger protein, FOG family member 2; plus strand), ZFPM2-AS1 (ZFPM2 antisense RNA 1; minus strand), LOC126860469 (BRD4-independent group 4 enhancer GRCh37_chr8:106814445-106815644; plus strand). Cytogenetic location: 8q23.1.
Variant type: single nucleotide variant.
Coding change: c.3032A>C on transcript NM_012082.4 (MANE Select); coding-DNA position 3032, A replaced by C.
Protein change: p.Glu1011Ala; replaces glutamic acid 1011 with alanine.
Molecular consequence: missense variant.
Genome position (GRCh38, 1-based): chr8:105,803,114, A>C. VCF-style: chr8-105803114-A-C. GRCh37 (hg19) VCF-style: chr8-106815342-A-C.
Other names: c.2873A>C, p.Glu958Ala (NM_001362836.2); c.2636A>C, p.Glu879Ala (NM_001362837.2); short protein forms E879A, E958A, E1011A.
Identifiers: ClinVar variation 4744495 (VCV004744495.1).